The following is an entry in ClinVar:

NM_022835.3(PLEKHG2):c.1002G>A (p.Glu334=)

Gene: PLEKHG2 (pleckstrin homology and RhoGEF domain containing G2; plus strand). Cytogenetic location: 19q13.2.
Variant type: single nucleotide variant.
Coding change: c.1002G>A on transcript NM_022835.3 (MANE Select); coding-DNA position 1002, G replaced by A.
Protein change: p.Glu334=; no amino-acid change (glutamic acid 334 retained).
Molecular consequence: synonymous variant.
Genome position (GRCh38, 1-based): chr19:39,418,024, G>A. VCF-style: chr19-39418024-G-A. GRCh37 (hg19) VCF-style: chr19-39908664-G-A.
Other names: c.825G>A, p.Glu275= (NM_001351693.2); c.1002G>A, p.Glu334= (NM_001351694.2).
Identifiers: ClinVar variation 2715333 (VCV002715333.5), dbSNP rs180802992, ClinGen allele CA9429312.

ClinVar aggregate classification (germline): Likely benign. Review status: criteria provided, multiple submitters, no conflicts (2 of 4 stars). 3 submissions from 3 submitters: Likely benign (3). Last evaluated 2026-09-01.

Allele frequency attached by ClinVar (database versions not stated): 1000 Genomes Project 30x 0.00016; 1000 Genomes Project 0.00020; gnomAD 0.00025; TOPMed 0.00027; ESP Exome Variant Server 0.00031; gnomAD exomes 0.00043; ExAC 0.00067.

Submissions (3):

CeGaT Center for Human Genetics Tuebingen
Classification: Likely benign. Last evaluated: 2026-09-01. Review status: criteria provided, single submitter. Criteria: CeGaT Center For Human Genetics Tuebingen Variant Classification Criteria Version 2. Collection method: clinical testing. Allele origin: germline. Affected: yes. Observed: 1 variant allele.
Comment: PLEKHG2: BP4, BP7

Blueprint Genetics
Classification: Likely benign. Last evaluated: 2024-10-30. Review status: criteria provided, single submitter. Criteria: ACMG Guidelines, 2015. Collection method: clinical testing. Allele origin: germline.

Labcorp Genetics (formerly Invitae), Labcorp
Classification: Likely benign. Last evaluated: 2023-12-21. Review status: criteria provided, single submitter. Criteria: Invitae Variant Classification Sherloc (09022015). Collection method: clinical testing. Allele origin: germline.